The following is an entry in ClinVar:

NM_001378120.1(MBD5):c.1078A>T (p.Ile360Phe)

Gene: MBD5 (methyl-CpG binding domain protein 5; plus strand). Cytogenetic location: 2q23.1.
Variant type: single nucleotide variant.
Coding change: c.1078A>T on transcript NM_001378120.1 (MANE Select); coding-DNA position 1078, A replaced by T.
Protein change: p.Ile360Phe; replaces isoleucine 360 with phenylalanine.
Molecular consequence: missense variant.
Genome position (GRCh38, 1-based): chr2:148,469,021, A>T. VCF-style: chr2-148469021-A-T. GRCh37 (hg19) VCF-style: chr2-149226590-A-T.
Other names: c.1078A>T, p.Ile360Phe (NM_018328.5); short protein forms I360F.
Identifiers: ClinVar variation 3029308 (VCV003029308.2), dbSNP rs2469860899, ClinGen allele CA348718329.

ClinVar aggregate classification (germline): Uncertain significance (0 of 4 stars; one submission).

Conditions:
MBD5-related disorder. Also called: MBD5-related condition.

Submission:

PreventionGenetics, part of Exact Sciences
Classification: Uncertain significance for MBD5-related condition. Last evaluated: 2024-01-31. Review status: no assertion criteria provided. Collection method: clinical testing. Allele origin: germline.
Comment: The MBD5 c.1078A>T variant is predicted to result in the amino acid substitution p.Ile360Phe. To our knowledge, this variant has not been reported in the literature or in a large population database, indicating this variant is rare. At this time, the clinical significance of this variant is uncertain due to the absence of conclusive functional and genetic evidence.